The following is an entry in ClinVar:

NM_001378778.1(MPDZ):c.4220A>G (p.Tyr1407Cys)

Gene: MPDZ (multiple PDZ domain crumbs cell polarity complex component; minus strand). Cytogenetic location: 9p23.
Variant type: single nucleotide variant.
Coding change: c.4220A>G on transcript NM_001378778.1 (MANE Select); coding-DNA position 4220, A replaced by G.
Protein change: p.Tyr1407Cys; replaces tyrosine 1407 with cysteine.
Molecular consequence: missense variant.
Genome position (GRCh38, 1-based): chr9:13,136,784, T>C on the plus strand (A>G on the coding strand, the complement: MPDZ is on the minus strand). VCF-style: chr9-13136784-T-C. GRCh37 (hg19) VCF-style: chr9-13136783-T-C.
Other names: c.4121A>G, p.Tyr1374Cys (NM_001261406.2, NM_001261407.2, NM_001375416.1 and 3 more transcripts); c.4220A>G, p.Tyr1407Cys (NM_001330637.2, NM_001375413.1, NM_003829.5); c.4010A>G, p.Tyr1337Cys (NM_001375420.1, NM_001375421.1, NM_001375422.1 and 4 more transcripts); c.3812A>G, p.Tyr1271Cys (NM_001375427.1); short protein forms Y1407C, Y1271C, Y1337C, Y1374C.
Identifiers: ClinVar variation 777188 (VCV000777188.40), dbSNP rs200891478, ClinGen allele CA4986789.

ClinVar aggregate classification (germline): Conflicting classifications of pathogenicity. Review status: criteria provided, conflicting classifications (1 of 4 stars). 5 submissions from 5 submitters: Uncertain significance (1); Likely benign (3). 1 of the submissions does not count toward it. Last evaluated 2026-09-01.

Conditions:
MPDZ-related disorder. Also called: MPDZ-related condition.

Allele frequency attached by ClinVar (database versions not stated): gnomAD 0.00290 and 0.00284; ESP Exome Variant Server 0.00357; gnomAD exomes 0.00416 and 0.00276; ExAC 0.00524; 1000 Genomes Project 0.00040; 1000 Genomes Project 30x 0.00062; TOPMed 0.00284.
gnomAD v4.1: 6,428 of 1,597,994 alleles (0.4%); highest among the groups gnomAD compares: Non-Finnish European, 0.5%; 13 homozygotes.

Submissions (5):

CeGaT Center for Human Genetics Tuebingen
Classification: Likely benign. Last evaluated: 2026-09-01. Review status: criteria provided, single submitter. Criteria: CeGaT Center For Human Genetics Tuebingen Variant Classification Criteria Version 2. Collection method: clinical testing. Allele origin: germline. Affected: yes. Observed: 8 variant alleles.
Comment: MPDZ: BS2

Labcorp Genetics (formerly Invitae), Labcorp
Classification: Likely benign. Last evaluated: 2026-02-03. Review status: criteria provided, single submitter. Criteria: Invitae Variant Classification Sherloc (09022015). Collection method: clinical testing. Allele origin: germline.

Blueprint Genetics
Classification: Likely benign. Last evaluated: 2024-11-20. Review status: criteria provided, single submitter. Criteria: ACMG Guidelines, 2015. Collection method: clinical testing. Allele origin: germline.

Genetic Services Laboratory, University of Chicago
Classification: Uncertain significance. Last evaluated: 2017-10-02. Review status: criteria provided, single submitter. Criteria: ACMG Guidelines, 2015. Collection method: clinical testing. Allele origin: germline. Affected: no.

PreventionGenetics, part of Exact Sciences
Classification: Likely benign for MPDZ-related condition. Last evaluated: 2021-11-15. Review status: no assertion criteria provided. Collection method: clinical testing. Allele origin: germline. Not counted in ClinVar's aggregate classification.
Comment: This variant is classified as likely benign based on ACMG/AMP sequence variant interpretation guidelines (Richards et al. 2015 PMID: 25741868, with internal and published modifications).